The following is an entry in ClinVar:

NM_015909.4(NBAS):c.2917T>C (p.Phe973Leu)

Gene: NBAS (NBAS subunit of NRZ tethering complex; minus strand). Cytogenetic location: 2p24.3.
Variant type: single nucleotide variant.
Coding change: c.2917T>C on transcript NM_015909.4 (MANE Select); coding-DNA position 2917, T replaced by C.
Protein change: p.Phe973Leu; replaces phenylalanine 973 with leucine.
Molecular consequence: missense variant. On other transcripts: non-coding transcript variant (1).
Genome position (GRCh38, 1-based): chr2:15,415,566, A>G on the plus strand (T>C on the coding strand, the complement: NBAS is on the minus strand). VCF-style: chr2-15415566-A-G. GRCh37 (hg19) VCF-style: chr2-15555690-A-G.
Other names: short protein forms F973L.
Identifiers: ClinVar variation 1920023 (VCV001920023.5), dbSNP rs1391709042, ClinGen allele CA345885474.

ClinVar aggregate classification (germline): Uncertain significance (1 of 4 stars; one submission).

Submission:

Labcorp Genetics (formerly Invitae), Labcorp
Classification: Uncertain significance. Last evaluated: 2022-01-03. Review status: criteria provided, single submitter. Criteria: Invitae Variant Classification Sherloc (09022015). Collection method: clinical testing. Allele origin: germline.
Comment: This variant is present in population databases (no rsID available, gnomAD 0.006%). This sequence change replaces phenylalanine, which is neutral and non-polar, with leucine, which is neutral and non-polar, at codon 973 of the NBAS protein (p.Phe973Leu). This variant has not been reported in the literature in individuals affected with NBAS-related conditions. In summary, the available evidence is currently insufficient to determine the role of this variant in disease. Therefore, it has been classified as a Variant of Uncertain Significance. Algorithms developed to predict the effect of missense changes on protein structure and function are either unavailable or do not agree on the potential impact of this missense change (SIFT: "Deleterious"; PolyPhen-2: "Benign"; Align-GVGD: "Class C15").